The following is an entry in ClinVar:

NM_001100913.3(PACS2):c.297+8_297+11del

Gene: PACS2 (phosphofurin acidic cluster sorting protein 2; plus strand). Cytogenetic location: 14q32.33.
Variant type: Deletion.
Coding change: c.297+8_297+11del on transcript NM_001100913.3 (MANE Select); bases 8 to 11 of the intron after coding-DNA position 297, 4 bases deleted (TTTC; older notation c.297+8_297+11delTTTC).
Molecular consequence: intron variant.
Genome position (GRCh38, 1-based): chr14:105,352,475-105,352,478, TTTC deleted; deleting any 4 consecutive bases within chr14:105,352,473-105,352,478 gives the same sequence; the c. name uses the placement nearest the transcript's 3' end. VCF-style (leftmost placement, unchanged base first): chr14-105352472-GTCTT-G. GRCh37 (hg19) VCF-style: chr14-105818809-GTCTT-G.
Other names: c.96+8_96+11del (NM_001243127.3); c.297+8_297+11del (NM_015197.4); c.297+8_297+11delTTTC (NM_001100913.2).
Identifiers: ClinVar variation 1545152 (VCV001545152.10), dbSNP rs782460754, ClinGen allele CA7388311.

ClinVar aggregate classification (germline): Benign. Review status: criteria provided, single submitter (1 of 4 stars). 2 submissions from 2 submitters: Benign (1). 1 of the submissions does not count toward it. Last evaluated 2025-12-30.

Conditions:
PACS2-related disorder. Also called: PACS2-related condition.

Submissions (2):

Labcorp Genetics (formerly Invitae), Labcorp
Classification: Benign. Last evaluated: 2025-12-30. Review status: criteria provided, single submitter. Criteria: Invitae Variant Classification Sherloc (09022015). Collection method: clinical testing. Allele origin: germline.

PreventionGenetics, part of Exact Sciences
Classification: Likely benign for PACS2-related condition. Last evaluated: 2019-06-06. Review status: no assertion criteria provided. Collection method: clinical testing. Allele origin: germline. Not counted in ClinVar's aggregate classification.
Comment: This variant is classified as likely benign based on ACMG/AMP sequence variant interpretation guidelines (Richards et al. 2015 PMID: 25741868, with internal and published modifications).